The following is an entry in ClinVar:

NM_001369.3(DNAH5):c.13463C>T (p.Pro4488Leu)

Gene: DNAH5 (dynein axonemal heavy chain 5; minus strand). Cytogenetic location: 5p15.2.
Variant type: single nucleotide variant.
Coding change: c.13463C>T on transcript NM_001369.3 (MANE Select); coding-DNA position 13463, C replaced by T.
Protein change: p.Pro4488Leu; replaces proline 4488 with leucine.
Molecular consequence: missense variant.
Genome position (GRCh38, 1-based): chr5:13,701,312, G>A on the plus strand (C>T on the coding strand, the complement: DNAH5 is on the minus strand). VCF-style: chr5-13701312-G-A. GRCh37 (hg19) VCF-style: chr5-13701421-G-A.
Other names: short protein forms P4488L.
Identifiers: ClinVar variation 4623947 (VCV004623947.1).

ClinVar aggregate classification (germline): Uncertain significance (1 of 4 stars; one submission).

Conditions:
Primary ciliary dyskinesia. Also called: Ciliary dyskinesia. Identifiers: Orphanet 244, MedGen C0008780, MONDO:0016575, HP:0012265.

gnomAD v4.1: 1 of 1,613,832 alleles (0.000062%); highest among the groups gnomAD compares: East Asian, 0.0022%; no homozygotes.

Submission:

Ambry Genetics
Classification: Uncertain significance for Primary ciliary dyskinesia. Last evaluated: 2025-11-07. Review status: criteria provided, single submitter. Criteria: Ambry Variant Classification Scheme 2023. Collection method: clinical testing. Allele origin: germline.
Comment: The p.P4488L variant (also known as c.13463C>T), located in coding exon 77 of the DNAH5 gene, results from a C to T substitution at nucleotide position 13463. The proline at codon 4488 is replaced by leucine, an amino acid with similar properties. This amino acid position is conserved. In addition, the in silico prediction for this alteration is inconclusive. Based on the available evidence, the clinical significance of this variant remains unclear.